The following is an entry in ClinVar:

ClinVar aggregate classification (germline): Likely benign (1 of 4 stars; one submission).

gnomAD v4.1: 2 of 1,612,778 alleles (0.00012%); highest among the groups gnomAD compares: Admixed American, 0.0033%; 1 homozygote.

Submission:

CeGaT Center for Human Genetics Tuebingen
Classification: Likely benign. Last evaluated: 2026-07-01. Review status: criteria provided, single submitter. Criteria: CeGaT Center For Human Genetics Tuebingen Variant Classification Criteria Version 2. Collection method: clinical testing. Allele origin: germline. Affected: yes. Observed: 1 variant allele.
Comment: TTYH2: BP4, BP7

NM_032646.6(TTYH2):c.87C>T (p.Pro29=)

Gene: TTYH2 (tweety family member 2; plus strand). Cytogenetic location: 17q25.1.
Variant type: single nucleotide variant.
Coding change: c.87C>T on transcript NM_032646.6 (MANE Select); coding-DNA position 87, C replaced by T.
Protein change: p.Pro29=; no amino-acid change (proline 29 retained).
Molecular consequence: synonymous variant.
Genome position (GRCh38, 1-based): chr17:74,213,674, C>T. VCF-style: chr17-74213674-C-T. GRCh37 (hg19) VCF-style: chr17-72209813-C-T.
Identifiers: ClinVar variation 5039722 (VCV005039722.1).